The following is an entry in ClinVar:

ClinVar aggregate classification (germline): Benign/Likely benign. Review status: criteria provided, multiple submitters, no conflicts (2 of 4 stars). 11 submissions from 11 submitters: Benign (1); Likely benign (7). 3 of the submissions do not count toward it. Last evaluated 2026-09-01.

Conditions:
Hereditary spastic paraplegia 43. Also called: Spastic paraplegia 43, autosomal recessive. Identifiers: Orphanet 320370, MedGen C2680446, MONDO:0014024, OMIM 615043.
Hereditary spastic paraplegia. Also called: Familial spastic paraparesis. Identifiers: Orphanet 685, MedGen C0037773, MONDO:0019064. Disease mechanism: loss of function.
Neurodegeneration with brain iron accumulation 4 (NBIA4). Also called: MITOCHONDRIAL PROTEIN-ASSOCIATED NEURODEGENERATION. Identifiers: Orphanet 289560, MedGen C3280371, MONDO:0013674, OMIM 614298. Disease mechanism: loss of function.

Allele frequency attached by ClinVar (database versions not stated): 1000 Genomes Project 0.00140; 1000 Genomes Project 30x 0.00187; TOPMed 0.00224; gnomAD exomes 0.00231 and 0.00347; ESP Exome Variant Server 0.00254; gnomAD 0.00256 and 0.00262; ExAC 0.00277.
gnomAD v4.1: 5,412 of 1,613,840 alleles (0.34%); highest among the groups gnomAD compares: Non-Finnish European, 0.43%; 13 homozygotes.

Submissions (11):

CeGaT Center for Human Genetics Tuebingen
Classification: Likely benign. Last evaluated: 2026-09-01. Review status: criteria provided, single submitter. Criteria: CeGaT Center For Human Genetics Tuebingen Variant Classification Criteria Version 2. Collection method: clinical testing. Allele origin: germline. Affected: yes. Observed: 19 variant alleles.
Comment: C19orf12: PP3, BS2

Labcorp Genetics (formerly Invitae), Labcorp
Classification: Likely benign for Hereditary spastic paraplegia 43. Last evaluated: 2026-01-28. Review status: criteria provided, single submitter. Criteria: Invitae Variant Classification Sherloc (09022015). Collection method: clinical testing. Allele origin: germline.

Blueprint Genetics
Classification: Likely benign. Last evaluated: 2024-11-25. Review status: criteria provided, single submitter. Criteria: ACMG Guidelines, 2015. Collection method: clinical testing. Allele origin: germline.

Mayo Clinic Laboratories, Mayo Clinic
Classification: Benign. Last evaluated: 2024-08-29. Review status: criteria provided, single submitter. Criteria: ACMG Guidelines, 2015. Collection method: clinical testing. Allele origin: germline. Observed: 11 variant alleles.
Comment: BS1, BS2, BP4

GeneDx
Classification: Likely benign. Last evaluated: 2021-01-13. Review status: criteria provided, single submitter. Criteria: GeneDx Variant Classification Process June 2021. Collection method: clinical testing. Allele origin: germline. Affected: yes.
Comment: This variant is associated with the following publications: (PMID: 27112773)

Genome Diagnostics Laboratory, The Hospital for Sick Children
Classification: Likely benign for Hereditary spastic paraplegia. Last evaluated: 2020-08-24. Review status: criteria provided, single submitter. Criteria: ACMG Guidelines, 2015. Collection method: clinical testing. Allele origin: germline. Affected: yes.

Illumina Laboratory Services, Illumina
Classification: Likely benign for Neurodegeneration with brain iron accumulation 4. Last evaluated: 2017-04-27. Review status: criteria provided, single submitter. Criteria: ICSL Variant Classification Criteria 13 December 2019. Collection method: clinical testing. Allele origin: germline.
Comment: This variant was observed as part of a predisposition screen in an ostensibly healthy population. A literature search was performed for the gene, cDNA change, and amino acid change (where applicable). Publications were found based on this search. The evidence from the literature, in combination with allele frequency data from public databases where available, was sufficient to determine this variant is unlikely to cause disease. Therefore, this variant is classified as likely benign.

Breakthrough Genomics
Classification: Likely benign. Review status: criteria provided, single submitter. Criteria: ACMG Guidelines, 2015. Collection method: not provided. Allele origin: germline. Inheritance: Autosomal recessive inheritance. Affected: yes.

Clinical Genetics DNA and cytogenetics Diagnostics Lab, Erasmus MC, Erasmus Medical Center
Classification: Likely benign. Review status: no assertion criteria provided. Collection method: clinical testing. Allele origin: germline. Affected: yes. Study: VKGL Data-share Consensus. Not counted in ClinVar's aggregate classification.

Diagnostic Laboratory, Department of Genetics, University Medical Center Groningen
Classification: Likely benign. Review status: no assertion criteria provided. Collection method: clinical testing. Allele origin: germline. Affected: yes. Study: VKGL Data-share Consensus. Not counted in ClinVar's aggregate classification.

Genome Diagnostics Laboratory, Amsterdam University Medical Center
Classification: Benign. Review status: no assertion criteria provided. Collection method: clinical testing. Allele origin: germline. Affected: yes. Study: VKGL Data-share Consensus. Not counted in ClinVar's aggregate classification.

Literature cited by the submitters: PubMed 27112773 (cited by Illumina Laboratory Services, Illumina).

NM_031448.6(C19orf12):c.413A>G (p.Gln138Arg)

Gene: C19orf12 (chromosome 19 open reading frame 12; minus strand). Cytogenetic location: 19q12.
Variant type: single nucleotide variant.
Coding change: c.413A>G on transcript NM_031448.6 (MANE Select); coding-DNA position 413, A replaced by G.
Protein change: p.Gln138Arg; replaces glutamine 138 with arginine.
Molecular consequence: missense variant. On other transcripts: 3 prime UTR variant (1).
Genome position (GRCh38, 1-based): chr19:29,702,725, T>C on the plus strand (A>G on the coding strand, the complement: C19orf12 is on the minus strand). VCF-style: chr19-29702725-T-C. GRCh37 (hg19) VCF-style: chr19-30193632-T-C.
Other names: p.Gln149Arg; c.413A>G, p.Gln138Arg (NM_001031726.4, NM_001256047.2); c.*34A>G (NM_001256046.3); c.221A>G, p.Gln74Arg (NM_001282929.1, NM_001282930.3, NM_001282931.3); short protein forms Q138R, Q149R, Q74R.
Identifiers: ClinVar variation 380881 (VCV000380881.59), dbSNP rs73023451, ClinGen allele CA9351863.